The following is an entry in ClinVar:

NM_030665.4(RAI1):c.509C>T (p.Ser170Phe)

Gene: RAI1 (retinoic acid induced 1; plus strand). Cytogenetic location: 17p11.2.
Variant type: single nucleotide variant.
Coding change: c.509C>T on transcript NM_030665.4 (MANE Select); coding-DNA position 509, C replaced by T.
Protein change: p.Ser170Phe; replaces serine 170 with phenylalanine.
Molecular consequence: missense variant.
Genome position (GRCh38, 1-based): chr17:17,793,457, C>T. VCF-style: chr17-17793457-C-T. GRCh37 (hg19) VCF-style: chr17-17696771-C-T.
Other names: short protein forms S170F.
Identifiers: ClinVar variation 3377951 (VCV003377951.2).

ClinVar aggregate classification (germline): Uncertain significance (1 of 4 stars; one submission).

Submission:

GeneDx
Classification: Uncertain significance. Last evaluated: 2025-07-09. Review status: criteria provided, single submitter. Criteria: GeneDx Variant Classification Process June 2021. Collection method: clinical testing. Allele origin: germline. Affected: yes.
Comment: Not observed at significant frequency in large population cohorts (gnomAD); In silico analysis supports that this missense variant has a deleterious effect on protein structure/function; Has not been previously published as pathogenic or benign to our knowledge